The following is an entry in ClinVar:

NM_005585.5(SMAD6):c.1056G>T (p.Gln352His)

Gene: SMAD6 (SMAD family member 6; plus strand). Cytogenetic location: 15q22.31.
Variant type: single nucleotide variant.
Coding change: c.1056G>T on transcript NM_005585.5 (MANE Select); coding-DNA position 1056, G replaced by T.
Protein change: p.Gln352His; replaces glutamine 352 with histidine.
Molecular consequence: missense variant. On other transcripts: non-coding transcript variant (1).
Genome position (GRCh38, 1-based): chr15:66,781,100, G>T. VCF-style: chr15-66781100-G-T. GRCh37 (hg19) VCF-style: chr15-67073438-G-T.
Other names: short protein forms Q352H.
Identifiers: ClinVar variation 3798831 (VCV003798831.1).

ClinVar aggregate classification (germline): Uncertain significance (1 of 4 stars; one submission).

Conditions:
Inborn genetic diseases. Identifiers: MedGen C0950123, MeSH D030342.

gnomAD v4.1: 1 of 1,608,706 alleles (0.000062%); highest among the groups gnomAD compares: Non-Finnish European, 0.000085%; no homozygotes.

Submission:

Ambry Genetics
Classification: Uncertain significance for Inborn genetic diseases. Last evaluated: 2025-01-31. Review status: criteria provided, single submitter. Criteria: Ambry Variant Classification Scheme 2023. Collection method: clinical testing. Allele origin: germline.
Comment: The p.Q352H variant (also known as c.1056G>T), located in coding exon 4 of the SMAD6 gene, results from a G to T substitution at nucleotide position 1056. The glutamine at codon 352 is replaced by histidine, an amino acid with highly similar properties. This amino acid position is conserved. In addition, the in silico prediction for this alteration is inconclusive. Based on the available evidence, the clinical significance of this variant remains unclear.